The following is an entry in ClinVar:

NM_033380.3(COL4A5):c.4724C>A (p.Ala1575Asp)

Gene: COL4A5 (collagen type IV alpha 5 chain; plus strand). Cytogenetic location: Xq22.3.
Variant type: single nucleotide variant.
Coding change: c.4724C>A on transcript NM_033380.3 (MANE Select); coding-DNA position 4724, C replaced by A.
Protein change: p.Ala1575Asp; replaces alanine 1575 with aspartic acid.
Molecular consequence: missense variant.
Genome position (GRCh38, 1-based): chrX:108,694,824, C>A. VCF-style: chrX-108694824-C-A. GRCh37 (hg19) VCF-style: chrX-107938054-C-A.
Other names: c.4706C>A, p.Ala1569Asp (NM_000495.5); short protein forms A1569D, A1575D.
Identifiers: ClinVar variation 3775990 (VCV003775990.1).
Genomic context (GRCh38, chrX:108,694,824, plus strand): 5'-GCTCACTCTGTAGATTATGTTCCTTCTCCTTTTCCTTTACCAGATGTGCAGTATGTGAAG[C>A]TCCAGCTGTGGTGATCGCAGTTCACAGTCAGACGATCCAGATTCCCCATTGTCCTCAGGG-3'
Protein context (NP_203699.1, residues 1565-1585): PFISRCAVCE[Ala1575Asp]PAVVIAVHSQ

ClinVar aggregate classification (germline): Uncertain significance (1 of 4 stars; one submission).

Conditions:
X-linked Alport syndrome (ATS1). Also called: NEPHROPATHY AND DEAFNESS, X-LINKED; COL4A5-Related Nephropathy. Identifiers: Orphanet 63, Orphanet 88917, MedGen C4746986, MONDO:0010520, OMIM 301050.

Submission:

3billion
Classification: Uncertain significance for X-linked Alport syndrome. Last evaluated: 2023-06-22. Review status: criteria provided, single submitter. Criteria: ACMG Guidelines, 2015. Collection method: clinical testing. Allele origin: germline. Affected: yes.
Comment: The variant is not observed in the gnomAD v2.1.1 dataset. Predicted Consequence/Location: Missense variant In silico tool predictions suggest damaging effect of the variant on gene or gene product (REVEL: 0.97; 3Cnet: 0.73). Therefore, this variant is classified as VUS according to the recommendation of ACMG/AMP guideline.